The following is an entry in ClinVar:

NM_012434.5(SLC17A5):c.525+3A>G

Gene: SLC17A5 (solute carrier family 17 member 5; minus strand). Cytogenetic location: 6q13.
Variant type: single nucleotide variant.
Coding change: c.525+3A>G on transcript NM_012434.5 (MANE Select); 3 bases into the intron after coding-DNA position 525, A replaced by G.
Molecular consequence: intron variant.
Genome position (GRCh38, 1-based): chr6:73,641,688, T>C on the plus strand (A>G on the coding strand, the complement: SLC17A5 is on the minus strand). VCF-style: chr6-73641688-T-C. GRCh37 (hg19) VCF-style: chr6-74351411-T-C.
Other names: c.294+3A>G (NM_001382636.1, NM_001382629.1); c.525+3A>G (NM_001382632.1, NM_001382635.1, NM_001382634.1 and 2 more transcripts); c.546+3A>G (NM_001382631.1).
Identifiers: ClinVar variation 2038325 (VCV002038325.5), dbSNP rs768885202, ClinGen allele CA3890522.

ClinVar aggregate classification (germline): Uncertain significance. Review status: criteria provided, multiple submitters, no conflicts (2 of 4 stars). 2 submissions from 2 submitters: Uncertain significance (2). Last evaluated 2024-06-04.

Conditions:
Sialic acid storage disease, severe infantile type (ISSD). Also called: INFANTILE SIALIC ACID STORAGE DISORDER; N-ACETYLNEURAMINIC ACID STORAGE DISEASE; NANA STORAGE DISEASE; SIALURIA, INFANTILE FORM; Infantile Sialic Acid Storage Disease; Free sialic acid storage disease, infantile form. Identifiers: Orphanet 309324, Orphanet 834, MedGen C1096902, MONDO:0010027, OMIM 269920.
Salla disease (SD). Also called: Sialuria, Finnish type; N-acetylneuraminic acid (NANA) storage disease (NSD); Infantile sialic acid storage disorder (ISSD); Less Severe FSASD (Salla Disease). Identifiers: Orphanet 309334, Orphanet 834, MedGen C1096903, MONDO:0011449, OMIM 604369.

Allele frequency attached by ClinVar (database versions not stated): gnomAD exomes below 0.00001; TOPMed below 0.00001; ExAC 0.00001.
gnomAD v4.1: 2 of 1,586,016 alleles (0.00013%); highest among the groups gnomAD compares: East Asian, 0.0045%; no homozygotes.

Submissions (2):

Fulgent Genetics
Classification: Uncertain significance for Sialic acid storage disease, severe infantile type; Salla disease. Last evaluated: 2024-06-04. Review status: criteria provided, single submitter. Criteria: ACMG Guidelines, 2015. Collection method: clinical testing. Allele origin: germline.

Labcorp Genetics (formerly Invitae), Labcorp
Classification: Uncertain significance for Salla disease. Last evaluated: 2021-12-08. Review status: criteria provided, single submitter. Criteria: Invitae Variant Classification Sherloc (09022015). Collection method: clinical testing. Allele origin: germline.
Comment: This variant has not been reported in the literature in individuals affected with SLC17A5-related conditions. In summary, the available evidence is currently insufficient to determine the role of this variant in disease. Therefore, it has been classified as a Variant of Uncertain Significance. Variants that disrupt the consensus splice site are a relatively common cause of aberrant splicing (PMID: 17576681, 9536098). Algorithms developed to predict the effect of sequence changes on RNA splicing suggest that this variant may disrupt the consensus splice site. This variant is present in population databases (rs768885202, gnomAD 0.01%). This sequence change falls in intron 3 of the SLC17A5 gene. It does not directly change the encoded amino acid sequence of the SLC17A5 protein. It affects a nucleotide within the consensus splice site.

Literature cited by the submitters: PubMed 17576681 (cited by Labcorp Genetics (formerly Invitae), Labcorp); PubMed 9536098 (cited by Labcorp Genetics (formerly Invitae), Labcorp).